The following is an entry in ClinVar:

ClinVar aggregate classification (germline): Uncertain significance (1 of 4 stars; one submission).

Conditions:
Episodic ataxia type 2 (EA2). Also called: ACETAZOLAMIDE-RESPONSIVE HEREDITARY PAROXYSMAL CEREBELLAR ATAXIA; CEREBELLAR ATAXIA, PAROXYSMAL, ACETAZOLAMIDE-RESPONSIVE; CEREBELLOPATHY, HEREDITARY PAROXYSMAL; EPISODIC ATAXIA, NYSTAGMUS-ASSOCIATED; ATAXIA, EPISODIC, WITH NYSTAGMUS; ATAXIA, FAMILIAL PAROXYSMAL. Identifiers: Orphanet 97, MedGen C1720416, MONDO:0007163, OMIM 108500.
Developmental and epileptic encephalopathy, 42 (DEE42A). Also called: DEVELOPMENTAL AND EPILEPTIC ENCEPHALOPATHY 42A; EPILEPTIC ENCEPHALOPATHY, EARLY INFANTILE, 42A; Epileptic encephalopathy, early infantile, 42. Identifiers: MedGen C4310716, MONDO:0014917, OMIM 617106.

Allele frequency attached by ClinVar (database versions not stated): gnomAD 0.00001; TOPMed 0.00001; ESP Exome Variant Server 0.00008.
gnomAD v4.1: 28 of 1,396,062 alleles (0.002%); highest among the groups gnomAD compares: Non-Finnish European, 0.0023%; no homozygotes.

Submission:

Labcorp Genetics (formerly Invitae), Labcorp
Classification: Uncertain significance for Developmental and epileptic encephalopathy, 42; Episodic ataxia type 2. Last evaluated: 2024-03-05. Review status: criteria provided, single submitter. Criteria: Invitae Variant Classification Sherloc (09022015). Collection method: clinical testing. Allele origin: germline.
Comment: This sequence change replaces glutamic acid, which is acidic and polar, with lysine, which is basic and polar, at codon 2147 of the CACNA1A protein (p.Glu2147Lys). This variant is not present in population databases (gnomAD no frequency). This variant has not been reported in the literature in individuals affected with CACNA1A-related conditions. ClinVar contains an entry for this variant (Variation ID: 580331). Advanced modeling of protein sequence and biophysical properties (such as structural, functional, and spatial information, amino acid conservation, physicochemical variation, residue mobility, and thermodynamic stability) performed at Invitae indicates that this missense variant is not expected to disrupt CACNA1A protein function with a negative predictive value of 95%. In summary, the available evidence is currently insufficient to determine the role of this variant in disease. Therefore, it has been classified as a Variant of Uncertain Significance.

NM_001127222.2(CACNA1A):c.6436G>A (p.Glu2146Lys)

Gene: CACNA1A (calcium voltage-gated channel subunit alpha1 A; minus strand). Cytogenetic location: 19p13.13.
Variant type: single nucleotide variant.
Coding change: c.6436G>A on transcript NM_001127222.2 (MANE Select); coding-DNA position 6436, G replaced by A.
Protein change: p.Glu2146Lys; replaces glutamic acid 2146 with lysine.
Molecular consequence: missense variant.
Genome position (GRCh38, 1-based): chr19:13,209,402, C>T on the plus strand (G>A on the coding strand, the complement: CACNA1A is on the minus strand). VCF-style: chr19-13209402-C-T. GRCh37 (hg19) VCF-style: chr19-13320216-C-T.
Other names: c.6454G>A, p.Glu2152Lys (NM_000068.4, NM_023035.3); c.6439G>A, p.Glu2147Lys (NM_001127221.2); c.6445G>A, p.Glu2149Lys (NM_001174080.2); short protein forms E2147K, E2149K, E2146K, E2152K.
Identifiers: ClinVar variation 580331 (VCV000580331.8), dbSNP rs371984902, ClinGen allele CA305548177.